The following is an entry in ClinVar:

NM_001170629.2(CHD8):c.6571T>C (p.Leu2191=)

Gene: CHD8 (chromodomain helicase DNA binding protein 8; minus strand). Cytogenetic location: 14q11.2.
Variant type: single nucleotide variant.
Coding change: c.6571T>C on transcript NM_001170629.2 (MANE Select); coding-DNA position 6571, T replaced by C.
Protein change: p.Leu2191=; no amino-acid change (leucine 2191 retained).
Molecular consequence: synonymous variant.
Genome position (GRCh38, 1-based): chr14:21,392,707, A>G on the plus strand (T>C on the coding strand, the complement: CHD8 is on the minus strand). VCF-style: chr14-21392707-A-G. GRCh37 (hg19) VCF-style: chr14-21860866-A-G.
Other names: c.5734T>C, p.Leu1912= (NM_020920.4).
Identifiers: ClinVar variation 589647 (VCV000589647.41), dbSNP rs61741241, ClinGen allele CA7090753.
Genomic context (GRCh38, chr14:21,392,707, plus strand): 5'-AGTCACCATATTCTCCAGGAGTCAATGAGGGACTGTCTAGCAAGTGGTTGCCTGGCCCCA[A>G]AATTCCTCCTGTTACCATTTCCTGGCTCCTACGGCTAGAAGGCCACTTCCCTGAGAGTAC-3'
Protein context (NP_001164100.1, residues 2181-2201): RSQEMVTGGI[Leu2191=]GPGNHLLDSP

ClinVar aggregate classification (germline): Benign/Likely benign. Review status: criteria provided, multiple submitters, no conflicts (2 of 4 stars). 6 submissions from 6 submitters: Benign (4); Likely benign (2). Last evaluated 2026-07-01.

Conditions:
Inborn genetic diseases. Identifiers: MedGen C0950123, MeSH D030342.

Allele frequency attached by ClinVar (database versions not stated): gnomAD exomes 0.00045 and 0.00103; ExAC 0.00090; ESP Exome Variant Server 0.00186; 1000 Genomes Project 30x 0.00234; 1000 Genomes Project 0.00260; gnomAD 0.00287 and 0.00297; TOPMed 0.00321.
gnomAD v4.1: 1,154 of 1,613,936 alleles (0.072%); highest among the groups gnomAD compares: African/African-American, 0.77%; 7 homozygotes.

Submissions (6):

CeGaT Center for Human Genetics Tuebingen
Classification: Likely benign. Last evaluated: 2026-07-01. Review status: criteria provided, single submitter. Criteria: CeGaT Center For Human Genetics Tuebingen Variant Classification Criteria Version 2. Collection method: clinical testing. Allele origin: germline. Affected: yes. Observed: 6 variant alleles.
Comment: CHD8: BP4, BP7, BS1

Labcorp Genetics (formerly Invitae), Labcorp
Classification: Benign. Last evaluated: 2026-01-19. Review status: criteria provided, single submitter. Criteria: Invitae Variant Classification Sherloc (09022015). Collection method: clinical testing. Allele origin: germline.

Blueprint Genetics
Classification: Likely benign. Last evaluated: 2024-11-25. Review status: criteria provided, single submitter. Criteria: ACMG Guidelines, 2015. Collection method: clinical testing. Allele origin: germline.

GeneDx
Classification: Benign. Last evaluated: 2019-01-24. Review status: criteria provided, single submitter. Criteria: GeneDx Variant Classification Process June 2021. Collection method: clinical testing. Allele origin: germline. Affected: yes.

Ambry Genetics
Classification: Benign for Inborn genetic diseases. Last evaluated: 2017-05-26. Review status: criteria provided, single submitter. Criteria: Ambry Variant Classification Scheme 2023. Collection method: clinical testing. Allele origin: germline.

Breakthrough Genomics
Classification: Benign. Review status: criteria provided, single submitter. Criteria: ACMG Guidelines, 2015. Collection method: not provided. Allele origin: germline. Inheritance: Autosomal dominant inheritance. Affected: yes.